The following is an entry in ClinVar:

ClinVar aggregate classification (germline): Uncertain significance (1 of 4 stars; one submission).

Conditions:
Ataxia-telangiectasia syndrome (AT). Also called: Cerebello-oculocutaneous telangiectasia; Immunodeficiency with ataxia telangiectasia; AT, COMPLEMENTATION GROUP C; Ataxia-telangiectasia, complementation group E; LOUIS-BAR SYNDROME; ATAXIA-TELANGIECTASIA, COMPLEMENTATION GROUP A. Identifiers: Orphanet 100, MedGen C0004135, MONDO:0008840, OMIM 208900.

Submission:

Labcorp Genetics (formerly Invitae), Labcorp
Classification: Uncertain significance for Ataxia-telangiectasia syndrome. Last evaluated: 2021-07-01. Review status: criteria provided, single submitter. Criteria: Invitae Variant Classification Sherloc (09022015). Collection method: clinical testing. Allele origin: germline.
Comment: This sequence change replaces serine with proline at codon 89 of the ATM protein (p.Ser89Pro). The serine residue is moderately conserved and there is a moderate physicochemical difference between serine and proline. This variant is not present in population databases (ExAC no frequency). This variant has not been reported in the literature in individuals affected with ATM-related conditions. Advanced modeling of protein sequence and biophysical properties (such as structural, functional, and spatial information, amino acid conservation, physicochemical variation, residue mobility, and thermodynamic stability) performed at Invitae indicates that this missense variant is not expected to disrupt ATM protein function. In summary, the available evidence is currently insufficient to determine the role of this variant in disease. Therefore, it has been classified as a Variant of Uncertain Significance.

NM_000051.4(ATM):c.265T>C (p.Ser89Pro)

Gene: ATM (ATM serine/threonine kinase; plus strand). Cytogenetic location: 11q22.3.
Variant type: single nucleotide variant.
Coding change: c.265T>C on transcript NM_000051.4 (MANE Select); coding-DNA position 265, T replaced by C.
Protein change: p.Ser89Pro; replaces serine 89 with proline.
Molecular consequence: missense variant.
Genome position (GRCh38, 1-based): chr11:108,229,257, T>C. VCF-style: chr11-108229257-T-C. GRCh37 (hg19) VCF-style: chr11-108099984-T-C.
Other names: c.265T>C, p.Ser89Pro (NM_001351834.2, NM_001351835.2, NM_001351836.2); short protein forms S89P.
Identifiers: ClinVar variation 1365133 (VCV001365133.8), dbSNP rs2135035804, ClinGen allele CA382521613.